The following is an entry in ClinVar:

NM_138694.4(PKHD1):c.11507-2A>T

Gene: PKHD1 (PKHD1 ciliary IPT domain containing fibrocystin/polyductin; minus strand). Cytogenetic location: 6p12.3.
Variant type: single nucleotide variant.
Coding change: c.11507-2A>T on transcript NM_138694.4 (MANE Select); the canonical splice acceptor site of the intron before coding-DNA position 11507, A replaced by T.
Molecular consequence: splice acceptor variant.
Genome position (GRCh38, 1-based): chr6:51,632,725, T>A on the plus strand (A>T on the coding strand, the complement: PKHD1 is on the minus strand). VCF-style: chr6-51632725-T-A. GRCh37 (hg19) VCF-style: chr6-51497523-T-A.
Identifiers: ClinVar variation 2749988 (VCV002749988.3), dbSNP rs2533096592, ClinGen allele CA364420495.

ClinVar aggregate classification (germline): Likely pathogenic (1 of 4 stars; one submission).

Conditions:
Autosomal recessive polycystic kidney disease (ARPKD). Also called: AR polycystic kidney disease. Identifiers: Orphanet 731, Orphanet 8378, MedGen C0085548, MeSH D017044, MONDO:0009889.

Submission:

Labcorp Genetics (formerly Invitae), Labcorp
Classification: Likely pathogenic for Autosomal recessive polycystic kidney disease. Last evaluated: 2023-09-21. Review status: criteria provided, single submitter. Criteria: Invitae Variant Classification Sherloc (09022015). Collection method: clinical testing. Allele origin: germline.
Comment: This sequence change affects an acceptor splice site in intron 64 of the PKHD1 gene. It is expected to disrupt RNA splicing. Variants that disrupt the donor or acceptor splice site typically lead to a loss of protein function (PMID: 16199547), and loss-of-function variants in PKHD1 are known to be pathogenic (PMID: 19940839). This variant is not present in population databases (gnomAD no frequency). In summary, the currently available evidence indicates that the variant is pathogenic, but additional data are needed to prove that conclusively. Therefore, this variant has been classified as Likely Pathogenic. Algorithms developed to predict the effect of sequence changes on RNA splicing suggest that this variant may disrupt the consensus splice site. This variant has not been reported in the literature in individuals affected with PKHD1-related conditions.

Literature cited by the submitters: PubMed 16199547; PubMed 19940839.